The following is an entry in ClinVar:

NM_206926.2(SELENON):c.769C>T (p.Arg257Trp)

Gene: SELENON (selenoprotein N; plus strand). Cytogenetic location: 1p36.11.
Variant type: single nucleotide variant.
Coding change: c.769C>T on transcript NM_206926.2 (MANE Select); coding-DNA position 769, C replaced by T.
Protein change: p.Arg257Trp; replaces arginine 257 with tryptophan.
Molecular consequence: missense variant.
Genome position (GRCh38, 1-based): chr1:25,809,149, C>T. VCF-style: chr1-25809149-C-T. GRCh37 (hg19) VCF-style: chr1-26135640-C-T.
Other names: NM_020451.3(SELENON):c.871C>T; p.Arg291Trp; c.871C>T, p.Arg291Trp (NM_020451.3); short protein forms R257W, R291W.
Identifiers: ClinVar variation 661968 (VCV000661968.11), dbSNP rs757446463, ClinGen allele CA696659.
Genomic context (GRCh38, chr1:25,809,149, plus strand): 5'-CCTCAGGGAGCTGTGGCCTGCCTGACTGCCATCAGCGACTTCTACTACACTGTGATGTTC[C>T]GGTGAGTGGGCCACACTGGCTGGCCTGGAGCACCGGGGAGGCATGACGGTACAGCGCCCA-3'
Protein context (NP_996809.1, residues 247-267): ISDFYYTVMF[Arg257Trp]IHAEFQLSEP

ClinVar aggregate classification (germline): Conflicting classifications of pathogenicity. Review status: criteria provided, conflicting classifications (1 of 4 stars). 4 submissions from 4 submitters: Likely pathogenic (1); Uncertain significance (3). Last evaluated 2025-04-17.

Conditions:
Eichsfeld type congenital muscular dystrophy (CMYO3). Also called: Rigid spine muscular dystrophy 1; MYOPATHY, SEPN1-RELATED; SELENON-related myopathy; Congenital myopathy 3 with rigid spine. Identifiers: MedGen C0410180, MONDO:0100100, OMIM 602771.

Allele frequency attached by ClinVar (database versions not stated): ExAC 0.00001; gnomAD 0.00001; gnomAD exomes 0.00001.

Submissions (4):

GeneDx
Classification: Likely pathogenic. Last evaluated: 2025-04-17. Review status: criteria provided, single submitter. Criteria: GeneDx Variant Classification Process June 2021. Collection method: clinical testing. Allele origin: germline. Affected: yes.
Comment: Not observed at significant frequency in large population cohorts (gnomAD); In silico analysis supports that this missense variant has a deleterious effect on protein structure/function; This variant is associated with the following publications: (PMID: 32796131, 21670436)

Labcorp Genetics (formerly Invitae), Labcorp
Classification: Uncertain significance for Eichsfeld type congenital muscular dystrophy. Last evaluated: 2024-03-06. Review status: criteria provided, single submitter. Criteria: Invitae Variant Classification Sherloc (09022015). Collection method: clinical testing. Allele origin: germline.
Comment: This sequence change replaces arginine, which is basic and polar, with tryptophan, which is neutral and slightly polar, at codon 291 of the SELENON protein (p.Arg291Trp). This variant is present in population databases (rs757446463, gnomAD 0.003%). This missense change has been observed in individuals with SELENON-related myopathy (PMID: 21670436). ClinVar contains an entry for this variant (Variation ID: 661968). An algorithm developed to predict the effect of missense changes on protein structure and function (PolyPhen-2) suggests that this variant is likely to be disruptive. In summary, the available evidence is currently insufficient to determine the role of this variant in disease. Therefore, it has been classified as a Variant of Uncertain Significance.

Department of Pathology and Laboratory Medicine, Sinai Health System
Classification: Uncertain significance for Eichsfeld type congenital muscular dystrophy. Last evaluated: 2023-04-19. Review status: criteria provided, single submitter. Criteria: ACMG Guidelines, 2015. Collection method: research. Allele origin: germline.

Broad Center for Mendelian Genomics, Broad Institute of MIT and Harvard
Classification: Uncertain significance. Last evaluated: 2023-01-24. Review status: criteria provided, single submitter. Criteria: ACMG Guidelines, 2015. Collection method: curation. Allele origin: germline. Inheritance: Autosomal recessive inheritance.
Comment: The p.Arg291Trp variant in SELENON has been reported in 2 individuals in the compound heterozygous state with SELENON-RM (PMID: 21670436) and has been identified in 0.003% (1/30600) of South Asian chromosomes by the Genome Aggregation Database (gnomAD; dbSNP ID: rs757446463). Although this variant has been seen in the general population in a heterozygous state, its frequency is low enough to be consistent with a recessive carrier frequency. This variant has also been reported in ClinVar (Variation ID#: 661968) and has been interpreted as a variant of uncertain significance by Invitae. Computational prediction tools and conservation analyses suggest that this variant may impact the protein, though this information is not predictive enough to determine pathogenicity. In summary, the clinical significance of the p.Arg291Trp variant is uncertain. ACMG/AMP Criteria applied: PM2_supporting, PP3 (Richards 2015).

Literature cited by the submitters: PubMed 21670436 (cited by Labcorp Genetics (formerly Invitae), Labcorp).